The following is an entry in ClinVar:

NM_002133.3(HMOX1):c.330C>T (p.Ala110=)

Gene: HMOX1 (heme oxygenase 1; plus strand). Cytogenetic location: 22q12.3.
Variant type: single nucleotide variant.
Coding change: c.330C>T on transcript NM_002133.3 (MANE Select); coding-DNA position 330, C replaced by T.
Protein change: p.Ala110=; no amino-acid change (alanine 110 retained).
Molecular consequence: synonymous variant.
Genome position (GRCh38, 1-based): chr22:35,386,870, C>T. VCF-style: chr22-35386870-C-T. GRCh37 (hg19) VCF-style: chr22-35782863-C-T.
Other names: p.Ala110=.
Identifiers: ClinVar variation 498177 (VCV000498177.24), dbSNP rs150515195, ClinGen allele CA10204695.

ClinVar aggregate classification (germline): Benign/Likely benign. Review status: criteria provided, multiple submitters, no conflicts (2 of 4 stars). 8 submissions from 8 submitters: Benign (3); Likely benign (3). 2 of the submissions do not count toward it. Last evaluated 2026-08-01.

Allele frequency attached by ClinVar (database versions not stated): 1000 Genomes Project 30x 0.00078; 1000 Genomes Project 0.00080; gnomAD 0.00133 and 0.00141; TOPMed 0.00150; ESP Exome Variant Server 0.00154; ExAC 0.00160; gnomAD exomes 0.00172.

Submissions (8):

CeGaT Center for Human Genetics Tuebingen
Classification: Likely benign. Last evaluated: 2026-08-01. Review status: criteria provided, single submitter. Criteria: CeGaT Center For Human Genetics Tuebingen Variant Classification Criteria Version 2. Collection method: clinical testing. Allele origin: germline. Affected: yes. Observed: 3 variant alleles.
Comment: HMOX1: BP4, BP7, BS2

Labcorp Genetics (formerly Invitae), Labcorp
Classification: Benign. Last evaluated: 2026-01-21. Review status: criteria provided, single submitter. Criteria: Invitae Variant Classification Sherloc (09022015). Collection method: clinical testing. Allele origin: germline.

Mayo Clinic Laboratories, Mayo Clinic
Classification: Likely benign. Last evaluated: 2025-05-21. Review status: criteria provided, single submitter. Criteria: ACMG Guidelines, 2015. Collection method: clinical testing. Allele origin: germline. Observed: 6 variant alleles.

Blueprint Genetics
Classification: Likely benign. Last evaluated: 2024-11-22. Review status: criteria provided, single submitter. Criteria: ACMG Guidelines, 2015. Collection method: clinical testing. Allele origin: germline.

Eurofins Ntd Llc (ga)
Classification: Benign. Last evaluated: 2016-10-27. Review status: criteria provided, single submitter. Criteria: EGL Classification Definitions 2015. Collection method: clinical testing. Allele origin: germline. Observed: 1 variant allele, 1 heterozygote.

Breakthrough Genomics
Classification: Benign. Review status: criteria provided, single submitter. Criteria: ACMG Guidelines, 2015. Collection method: not provided. Allele origin: germline. Inheritance: Autosomal recessive inheritance. Affected: yes.

Clinical Genetics DNA and cytogenetics Diagnostics Lab, Erasmus MC, Erasmus Medical Center
Classification: Likely benign. Review status: no assertion criteria provided. Collection method: clinical testing. Allele origin: germline. Affected: yes. Study: VKGL Data-share Consensus. Not counted in ClinVar's aggregate classification.

Genome Diagnostics Laboratory, University Medical Center Utrecht
Classification: Likely benign. Review status: no assertion criteria provided. Collection method: clinical testing. Allele origin: germline. Affected: yes. Study: VKGL Data-share Consensus. Not counted in ClinVar's aggregate classification.